The following is an entry in ClinVar:

ClinVar aggregate classification (germline): Conflicting classifications of pathogenicity. Review status: criteria provided, conflicting classifications (1 of 4 stars). 4 submissions from 4 submitters: Uncertain significance (2); Likely benign (1). 1 of the submissions does not count toward it. Last evaluated 2025-04-02.

Conditions:
Hereditary cancer-predisposing syndrome. Also called: Hereditary Cancer Syndrome; Neoplastic Syndromes, Hereditary; Tumor predisposition; Hereditary neoplastic syndrome. Identifiers: Orphanet 140162, MedGen C0027672, MeSH D009386, MONDO:0015356.
Ataxia-telangiectasia syndrome (AT). Also called: Ataxia-telangiectasia, complementation group D; AT, COMPLEMENTATION GROUP C; ATAXIA-TELANGIECTASIA, COMPLEMENTATION GROUP A; ATAXIA-TELANGIECTASIA, FRESNO VARIANT; Ataxia-telangiectasia; LOUIS-BAR SYNDROME. Identifiers: Orphanet 100, MedGen C0004135, MONDO:0008840, OMIM 208900.
Familial cancer of breast. Also called: BREAST CANCER, FAMILIAL; Hereditary breast cancer; hereditary breast carcinoma. Identifiers: Orphanet 227535, MedGen C0346153, MONDO:0016419, OMIM 114480. Disease mechanism: loss of function.

Allele frequency attached by ClinVar (database versions not stated): gnomAD exomes below 0.00001; gnomAD 0.00001.
gnomAD v4.1: 3 of 1,613,790 alleles (0.00019%); highest among the groups gnomAD compares: African/African-American, 0.0027%; no homozygotes.

Submissions (4):

Labcorp Genetics (formerly Invitae), Labcorp
Classification: Uncertain significance for Ataxia-telangiectasia syndrome. Last evaluated: 2025-04-02. Review status: criteria provided, single submitter. Criteria: Invitae Variant Classification Sherloc (09022015). Collection method: clinical testing. Allele origin: germline.
Comment: This sequence change replaces proline, which is neutral and non-polar, with leucine, which is neutral and non-polar, at codon 872 of the ATM protein (p.Pro872Leu). This variant is not present in population databases (gnomAD no frequency). This variant has not been reported in the literature in individuals affected with ATM-related conditions. ClinVar contains an entry for this variant (Variation ID: 186472). Invitae Evidence Modeling of protein sequence and biophysical properties (such as structural, functional, and spatial information, amino acid conservation, physicochemical variation, residue mobility, and thermodynamic stability) indicates that this missense variant is not expected to disrupt ATM protein function with a negative predictive value of 95%. In summary, the available evidence is currently insufficient to determine the role of this variant in disease. Therefore, it has been classified as a Variant of Uncertain Significance.

Ambry Genetics
Classification: Likely benign for Hereditary cancer-predisposing syndrome. Last evaluated: 2024-09-14. Review status: criteria provided, single submitter. Criteria: Ambry Variant Classification Scheme 2023. Collection method: clinical testing. Allele origin: germline.

Baylor Genetics
Classification: Uncertain significance for Familial cancer of breast. Last evaluated: 2023-06-14. Review status: criteria provided, single submitter. Criteria: ACMG Guidelines, 2015. Collection method: clinical testing. Allele origin: unknown.

Natera, Inc.
Classification: Uncertain significance for Ataxia-telangiectasia. Last evaluated: 2020-09-16. Review status: no assertion criteria provided. Collection method: clinical testing. Allele origin: germline. Not counted in ClinVar's aggregate classification.

Literature cited by the submitters: PubMed 25186627 (cited by Ambry Genetics).

NM_000051.4(ATM):c.2615C>T (p.Pro872Leu)

Gene: ATM (ATM serine/threonine kinase; plus strand). Cytogenetic location: 11q22.3.
Variant type: single nucleotide variant.
Coding change: c.2615C>T on transcript NM_000051.4 (MANE Select); coding-DNA position 2615, C replaced by T.
Protein change: p.Pro872Leu; replaces proline 872 with leucine.
Molecular consequence: missense variant.
Genome position (GRCh38, 1-based): chr11:108,267,319, C>T. VCF-style: chr11-108267319-C-T. GRCh37 (hg19) VCF-style: chr11-108138046-C-T.
Other names: c.2615C>T, p.Pro872Leu (NM_001351834.2); short protein forms P872L.
Identifiers: ClinVar variation 186472 (VCV000186472.18), dbSNP rs786202977, ClinGen allele CA194919.